The following is an entry in ClinVar:

ClinVar aggregate classification (germline): Uncertain significance (1 of 4 stars; one submission).

Conditions:
Renal carnitine transport defect (CDSP). Also called: Systemic primary carnitine deficiency disease; Primary carnitine deficiency; CARNITINE DEFICIENCY, SYSTEMIC, DUE TO DEFECT IN RENAL REABSORPTION OF CARNITINE; CARNITINE TRANSPORTER, PLASMA-MEMBRANE, DEFICIENCY OF; CARNITINE UPTAKE DEFECT; Carnitine transporter deficiency. Identifiers: Orphanet 158, MedGen C0342788, MONDO:0008919, OMIM 212140.

Allele frequency attached by ClinVar (database versions not stated): gnomAD exomes below 0.00001.
gnomAD v4.1: 3 of 1,614,256 alleles (0.00019%); highest among the groups gnomAD compares: Non-Finnish European, 0.00025%; no homozygotes.

Submission:

Labcorp Genetics (formerly Invitae), Labcorp
Classification: Uncertain significance for Renal carnitine transport defect. Last evaluated: 2021-08-28. Review status: criteria provided, single submitter. Criteria: Invitae Variant Classification Sherloc (09022015). Collection method: clinical testing. Allele origin: germline.
Comment: This sequence change replaces leucine with proline at codon 154 of the SLC22A5 protein (p.Leu154Pro). The leucine residue is highly conserved and there is a moderate physicochemical difference between leucine and proline. This variant is not present in population databases (ExAC no frequency). This variant has not been reported in the literature in individuals affected with SLC22A5-related conditions. Algorithms developed to predict the effect of missense changes on protein structure and function (SIFT, PolyPhen-2, Align-GVGD) all suggest that this variant is likely to be disruptive. In summary, the available evidence is currently insufficient to determine the role of this variant in disease. Therefore, it has been classified as a Variant of Uncertain Significance.

NM_003060.4(SLC22A5):c.461T>C (p.Leu154Pro)

Gene: SLC22A5 (solute carrier family 22 member 5; plus strand). Cytogenetic location: 5q31.1.
Variant type: single nucleotide variant.
Coding change: c.461T>C on transcript NM_003060.4 (MANE Select); coding-DNA position 461, T replaced by C.
Protein change: p.Leu154Pro; replaces leucine 154 with proline.
Molecular consequence: missense variant.
Genome position (GRCh38, 1-based): chr5:132,378,445, T>C. VCF-style: chr5-132378445-T-C. GRCh37 (hg19) VCF-style: chr5-131714137-T-C.
Other names: c.533T>C, p.Leu178Pro (NM_001308122.2); short protein forms L154P, L178P.
Identifiers: ClinVar variation 855194 (VCV000855194.7), dbSNP rs1752227681, ClinGen allele CA360803691.